The following is an entry in ClinVar:

NM_153460.4(IL17RC):c.886G>A (p.Ala296Thr)

Gene: IL17RC (interleukin 17 receptor C; plus strand). Cytogenetic location: 3p25.3.
Variant type: single nucleotide variant.
Coding change: c.886G>A on transcript NM_153460.4 (MANE Select); coding-DNA position 886, G replaced by A.
Protein change: p.Ala296Thr; replaces alanine 296 with threonine.
Molecular consequence: missense variant. On other transcripts: non-coding transcript variant (1).
Genome position (GRCh38, 1-based): chr3:9,928,313, G>A. VCF-style: chr3-9928313-G-A. GRCh37 (hg19) VCF-style: chr3-9969997-G-A.
Other names: c.886G>A, p.Ala296Thr (NM_001203263.2, NM_001203264.2); c.841G>A, p.Ala281Thr (NM_001203265.2, NM_001367280.1, NM_001410711.1 and 1 more transcripts); c.847G>A, p.Ala283Thr (NM_001367278.1); c.766G>A, p.Ala256Thr (NM_001367279.1); c.1099G>A, p.Ala367Thr (NM_153461.4); short protein forms A367T, A256T, A281T, A283T, A296T.
Identifiers: ClinVar variation 3695610 (VCV003695610.2).

ClinVar aggregate classification (germline): Uncertain significance (1 of 4 stars; one submission).

Conditions:
Candidiasis, familial, 9 (CANDF9). Identifiers: Orphanet 1334, MedGen C4225324, MONDO:0014642, OMIM 616445.

gnomAD v4.1: 5 of 1,607,378 alleles (0.00031%); highest among the groups gnomAD compares: African/African-American, 0.0013%; no homozygotes.

Submission:

Labcorp Genetics (formerly Invitae), Labcorp
Classification: Uncertain significance for Candidiasis, familial, 9. Last evaluated: 2024-02-26. Review status: criteria provided, single submitter. Criteria: Invitae Variant Classification Sherloc (09022015). Collection method: clinical testing. Allele origin: germline.
Comment: This sequence change replaces alanine, which is neutral and non-polar, with threonine, which is neutral and polar, at codon 367 of the IL17RC protein (p.Ala367Thr). This variant is present in population databases (rs776089912, gnomAD 0.01%). This variant has not been reported in the literature in individuals affected with IL17RC-related conditions. An algorithm developed to predict the effect of missense changes on protein structure and function (PolyPhen-2) suggests that this variant is likely to be disruptive. In summary, the available evidence is currently insufficient to determine the role of this variant in disease. Therefore, it has been classified as a Variant of Uncertain Significance.